The following is an entry in ClinVar:

NM_198129.4(LAMA3):c.4530C>T (p.Pro1510=)

Gene: LAMA3 (laminin subunit alpha 3; plus strand). Cytogenetic location: 18q11.2.
Variant type: single nucleotide variant.
Coding change: c.4530C>T on transcript NM_198129.4 (MANE Select); coding-DNA position 4530, C replaced by T.
Protein change: p.Pro1510=; no amino-acid change (proline 1510 retained).
Molecular consequence: synonymous variant.
Genome position (GRCh38, 1-based): chr18:23,861,753, C>T. VCF-style: chr18-23861753-C-T. GRCh37 (hg19) VCF-style: chr18-21441717-C-T.
Other names: c.4530C>T, p.Pro1510= (NM_001127717.4).
Identifiers: ClinVar variation 403027 (VCV000403027.19), dbSNP rs12965685, ClinGen allele CA8915634.
Genomic context (GRCh38, chr18:23,861,753, plus strand): 5'-CATCCCTGTCTCTTTCAACCCAGGCAGCAACAGTATGGTGGCGGATCTCCAGGAGCTGCC[C>T]GCAACCATCCACAGCGCGTCCTGGGTCGCACCCACCTCCTACCTGGGGGACAAGGTAATG-3'
Protein context (NP_937762.2, residues 1500-1520): NSMVADLQEL[Pro1510=]ATIHSASWVA

ClinVar aggregate classification (germline): Benign. Review status: criteria provided, multiple submitters, no conflicts (2 of 4 stars). 8 submissions from 6 submitters: Benign (8). Last evaluated 2024-11-28.

Conditions:
Junctional epidermolysis bullosa, non-Herlitz type. Also called: EPIDERMOLYSIS BULLOSA, JUNCTIONAL 1A, INTERMEDIATE; EPIDERMOLYSIS BULLOSA JUNCTIONALIS, DISENTIS TYPE; EPIDERMOLYSIS BULLOSA JUNCTIONALIS, NON-HERLITZ TYPE; EPIDERMOLYSIS BULLOSA JUNCTIONALIS, PROGRESSIVE; EPIDERMOLYSIS BULLOSA JUNCTIONALIS, SEVERE NONLETHAL; COL17A1-Related Junctional Epidermolysis Bullosa. Identifiers: Orphanet 251393, Orphanet 79402, Orphanet 79405, Orphanet 89840, MedGen C0268374, MONDO:0009180, OMIM 226650.
Laryngo-onycho-cutaneous syndrome (JEB2C). Also called: LOGIC SYNDROME; EPIDERMOLYSIS BULLOSA, JUNCTIONAL 2C, LARYNGOONYCHOCUTANEOUS; SHABBIR SYNDROME. Identifiers: Orphanet 2407, MedGen C1328355, MONDO:0009513, OMIM 245660.
Junctional epidermolysis bullosa gravis of Herlitz. Also called: JEB-HERLITZ TYPE; EPIDERMOLYSIS BULLOSA, JUNCTIONAL 1B, SEVERE; EPIDERMOLYSIS BULLOSA JUNCTIONALIS, HERLITZ TYPE; EPIDERMOLYSIS BULLOSA, JUNCTIONAL, HERLITZ-PEARSON TYPE; Epidermolysis Bullosa Letalis; Herlitz-type junctional epidermolysis bullosa. Identifiers: Orphanet 79404, MedGen C0079683, MONDO:0009182, OMIM 226700.

Allele frequency attached by ClinVar (database versions not stated): 1000 Genomes Project 0.34065; 1000 Genomes Project 30x 0.34135; TOPMed 0.45272; gnomAD 0.46769 and 0.47260; ExAC 0.49954; ESP Exome Variant Server 0.50315.
gnomAD v4.1: 906,396 of 1,612,978 alleles (56%); highest among the groups gnomAD compares: Non-Finnish European, 62%; 267,823 homozygotes.

Submissions (8):

Blueprint Genetics
Classification: Benign. Last evaluated: 2024-11-28. Review status: criteria provided, single submitter. Criteria: ACMG Guidelines, 2015. Collection method: clinical testing. Allele origin: germline.

Labcorp Genetics (formerly Invitae), Labcorp
Classification: Benign. Last evaluated: 2023-12-13. Review status: criteria provided, single submitter. Criteria: Invitae Variant Classification Sherloc (09022015). Collection method: clinical testing. Allele origin: germline.

Genome-Nilou Lab
Classification: Benign for Junctional epidermolysis bullosa, non-Herlitz type. Last evaluated: 2021-07-10. Review status: criteria provided, single submitter. Criteria: ACMG Guidelines, 2015. Collection method: clinical testing. Allele origin: germline. Affected: no.

Genome-Nilou Lab
Classification: Benign for Junctional epidermolysis bullosa gravis of Herlitz. Last evaluated: 2021-07-10. Review status: criteria provided, single submitter. Criteria: ACMG Guidelines, 2015. Collection method: clinical testing. Allele origin: germline. Affected: no.

Genome-Nilou Lab
Classification: Benign for Laryngo-onycho-cutaneous syndrome. Last evaluated: 2021-07-10. Review status: criteria provided, single submitter. Criteria: ACMG Guidelines, 2015. Collection method: clinical testing. Allele origin: germline. Affected: no.

GeneDx
Classification: Benign. Last evaluated: 2019-03-28. Review status: criteria provided, single submitter. Criteria: GeneDx Variant Classification Process June 2021. Collection method: clinical testing. Allele origin: germline. Affected: yes.

Laboratory for Molecular Medicine, Mass General Brigham Personalized Medicine
Classification: Benign. Last evaluated: 2016-03-29. Review status: criteria provided, single submitter. Criteria: LMM Criteria. Collection method: clinical testing. Allele origin: germline.
Comment: Variant identified in a genome or exome case(s) and assessed due to predicted null impact of the variant or pathogenic assertions in the literature or databases. Disclaimer: This variant has not undergone full assessment. The following are preliminary notes: Frequency

Breakthrough Genomics
Classification: Benign. Review status: criteria provided, single submitter. Criteria: ACMG Guidelines, 2015. Collection method: not provided. Allele origin: germline. Inheritance: Autosomal recessive inheritance. Affected: yes.